The following is an entry in ClinVar:

ClinVar aggregate classification (germline): Uncertain significance (1 of 4 stars; one submission).

Conditions:
Epileptic encephalopathy. Identifiers: MedGen C0543888, HP:0200134.

gnomAD v4.1: 6 of 1,612,576 alleles (0.00037%); highest among the groups gnomAD compares: Non-Finnish European, 0.00051%; no homozygotes.

Submission:

Labcorp Genetics (formerly Invitae), Labcorp
Classification: Uncertain significance for Epileptic encephalopathy. Last evaluated: 2024-10-21. Review status: criteria provided, single submitter. Criteria: Invitae Variant Classification Sherloc (09022015). Collection method: clinical testing. Allele origin: germline.
Comment: This sequence change replaces aspartic acid, which is acidic and polar, with tyrosine, which is neutral and polar, at codon 970 of the FASN protein (p.Asp970Tyr). This variant is present in population databases (no rsID available, gnomAD 0.0009%). This variant has not been reported in the literature in individuals affected with FASN-related conditions. An algorithm developed to predict the effect of missense changes on protein structure and function (PolyPhen-2) suggests that this variant is likely to be tolerated. In summary, the available evidence is currently insufficient to determine the role of this variant in disease. Therefore, it has been classified as a Variant of Uncertain Significance.

NM_004104.5(FASN):c.2908G>T (p.Asp970Tyr)

Gene: FASN (fatty acid synthase; minus strand). Cytogenetic location: 17q25.3.
Variant type: single nucleotide variant.
Coding change: c.2908G>T on transcript NM_004104.5 (MANE Select); coding-DNA position 2908, G replaced by T.
Protein change: p.Asp970Tyr; replaces aspartic acid 970 with tyrosine.
Molecular consequence: missense variant.
Genome position (GRCh38, 1-based): chr17:82,087,820, C>A on the plus strand (G>T on the coding strand, the complement: FASN is on the minus strand). VCF-style: chr17-82087820-C-A. GRCh37 (hg19) VCF-style: chr17-80045696-C-A.
Other names: short protein forms D970Y.
Identifiers: ClinVar variation 2788874 (VCV002788874.3), dbSNP rs750691718, ClinGen allele CA401555494.